The following is an entry in ClinVar:

ClinVar aggregate classification (germline): Conflicting classifications of pathogenicity. Review status: criteria provided, conflicting classifications (1 of 4 stars). 7 submissions from 7 submitters: Uncertain significance (5); Likely benign (2). Last evaluated 2026-03-28.

Conditions:
USH2A-related disorder. Also called: USH2A-related disorders; USH2A-related condition. Identifiers: MedGen CN239332.

Allele frequency attached by ClinVar (database versions not stated): TOPMed 0.00021; ESP Exome Variant Server 0.00023; 1000 Genomes Project 0.00060; 1000 Genomes Project 30x 0.00078.
gnomAD v4.1: 511 of 1,614,088 alleles (0.032%); highest among the groups gnomAD compares: Non-Finnish European, 0.039%; no homozygotes.

Submissions (7):

PreventionGenetics, part of Exact Sciences
Classification: Uncertain significance for USH2A-related condition. Last evaluated: 2026-03-28. Review status: criteria provided, single submitter. Criteria: ACMG Guidelines, 2015. Collection method: clinical testing. Allele origin: germline.
Comment: The USH2A c.7718G>A variant is predicted to result in the amino acid substitution p.Arg2573His. This variant has been reported in the heterozygous state in an individual with autosomal recessive retinitis pigmentosa (McGee et al. 2010. PubMed ID: 20507924). This variant is present in 0.037% of alleles in individuals of European (Non-Finnish) descent in gnomAD. At this time, the clinical significance of this variant is uncertain due to the absence of conclusive functional and genetic evidence.

GeneDx
Classification: Uncertain significance. Last evaluated: 2025-04-25. Review status: criteria provided, single submitter. Criteria: GeneDx Variant Classification Process June 2021. Collection method: clinical testing. Allele origin: germline. Affected: yes.
Comment: Has not been previously published as pathogenic or benign to our knowledge; In silico analysis indicates that this missense variant does not alter protein structure/function

Blueprint Genetics
Classification: Likely benign. Last evaluated: 2024-10-24. Review status: criteria provided, single submitter. Criteria: ACMG Guidelines, 2015. Collection method: clinical testing. Allele origin: germline.

CeGaT Center for Human Genetics Tuebingen
Classification: Uncertain significance. Last evaluated: 2024-07-01. Review status: criteria provided, single submitter. Criteria: CeGaT Center For Human Genetics Tuebingen Variant Classification Criteria Version 2. Collection method: clinical testing. Allele origin: germline. Affected: yes. Observed: 1 variant allele.
Comment: USH2A: PM2, BP4

Labcorp Genetics (formerly Invitae), Labcorp
Classification: Uncertain significance. Last evaluated: 2022-10-24. Review status: criteria provided, single submitter. Criteria: Invitae Variant Classification Sherloc (09022015). Collection method: clinical testing. Allele origin: germline.
Comment: This sequence change replaces arginine, which is basic and polar, with histidine, which is basic and polar, at codon 2573 of the USH2A protein (p.Arg2573His). This variant is present in population databases (rs189748047, gnomAD 0.04%). This missense change has been observed in individual(s) with retinitis pigmentosa (PMID: 20507924). ClinVar contains an entry for this variant (Variation ID: 497443). Advanced modeling of protein sequence and biophysical properties (such as structural, functional, and spatial information, amino acid conservation, physicochemical variation, residue mobility, and thermodynamic stability) performed at Invitae indicates that this missense variant is not expected to disrupt USH2A protein function. In summary, the available evidence is currently insufficient to determine the role of this variant in disease. Therefore, it has been classified as a Variant of Uncertain Significance.

Eurofins Ntd Llc (ga)
Classification: Uncertain significance. Last evaluated: 2016-11-08. Review status: criteria provided, single submitter. Criteria: EGL Classification Definitions 2015. Collection method: clinical testing. Allele origin: germline. Observed: 1 variant allele, 1 heterozygote.

Laboratory for Molecular Medicine, Mass General Brigham Personalized Medicine
Classification: Likely benign. Last evaluated: 2016-05-02. Review status: criteria provided, single submitter. Criteria: LMM Criteria. Collection method: clinical testing. Allele origin: germline. Observed: 1 variant allele.
Comment: p.Arg2573His in exon 41 of USH2A: This variant is not expected to have clinical significance due to a lack of conservation across species, including mammals. Of note, >20 mammals have a histidine at this position despite high nearby amino a cid conservation. In addition, computational prediction tools do not suggest a h igh likelihood of impact to the protein. It has also been identified in 8/11572 Latino chromosomes and 24/66684 European chromosomes by the Exome Aggregation Co nsortium (ExAC; dbSNP rs189748047).

Literature cited by the submitters: PubMed 20507924 (cited by Labcorp Genetics (formerly Invitae), Labcorp and Laboratory for Molecular Medicine, Mass General Brigham Personalized Medicine); PubMed 24944099 (cited by Laboratory for Molecular Medicine, Mass General Brigham Personalized Medicine).

NM_206933.4(USH2A):c.7718G>A (p.Arg2573His)

Gene: USH2A (usherin; minus strand). Cytogenetic location: 1q41.
Variant type: single nucleotide variant.
Coding change: c.7718G>A on transcript NM_206933.4 (MANE Select); coding-DNA position 7718, G replaced by A.
Protein change: p.Arg2573His; replaces arginine 2573 with histidine.
Molecular consequence: missense variant.
Genome position (GRCh38, 1-based): chr1:215,888,931, C>T on the plus strand (G>A on the coding strand, the complement: USH2A is on the minus strand). VCF-style: chr1-215888931-C-T. GRCh37 (hg19) VCF-style: chr1-216062273-C-T.
Other names: short protein forms R2573H.
Identifiers: ClinVar variation 497443 (VCV000497443.35), dbSNP rs189748047, ClinGen allele CA1394756.